The following is an entry in ClinVar:

NM_152383.5(DIS3L2):c.313G>A (p.Ala105Thr)

Gene: DIS3L2 (DIS3 like 3'-5' exoribonuclease 2; plus strand). Cytogenetic location: 2q37.1.
Variant type: single nucleotide variant.
Coding change: c.313G>A on transcript NM_152383.5 (MANE Select); coding-DNA position 313, G replaced by A.
Protein change: p.Ala105Thr; replaces alanine 105 with threonine.
Molecular consequence: missense variant. On other transcripts: non-coding transcript variant (2).
Genome position (GRCh38, 1-based): chr2:232,030,027, G>A. VCF-style: chr2-232030027-G-A. GRCh37 (hg19) VCF-style: chr2-232894737-G-A.
Other names: c.313G>A, p.Ala105Thr (NM_001257281.2, NM_001257282.2); short protein forms A105T.
Identifiers: ClinVar variation 1002873 (VCV001002873.8), dbSNP rs1694761855, ClinGen allele CA351152943.
Genomic context (GRCh38, chr2:232,030,027, plus strand): 5'-TTTCCAACCTAGGATGGTGATCGAGACATTTTTATTGATGGGGTTGTTGCTCGTAATAGA[G>A]CCTTAAATGGGGATCTGGTGGTCGTGAAACTGCTTCCCGAGGAGCATTGGAAGGTGAGTT-3'
Protein context (NP_689596.4, residues 95-115): FIDGVVARNR[Ala105Thr]LNGDLVVVKL

ClinVar aggregate classification (germline): Uncertain significance (1 of 4 stars; one submission).

Conditions:
Perlman syndrome (PRLMNS). Identifiers: Orphanet 2849, MedGen C0796113, MONDO:0009965, OMIM 267000.

Allele frequency attached by ClinVar (database versions not stated): gnomAD exomes below 0.00001.
gnomAD v4.1: 3 of 1,610,008 alleles (0.00019%); highest among the groups gnomAD compares: Non-Finnish European, 0.00025%; no homozygotes.

Submission:

Labcorp Genetics (formerly Invitae), Labcorp
Classification: Uncertain significance for Perlman syndrome. Last evaluated: 2020-08-01. Review status: criteria provided, single submitter. Criteria: Invitae Variant Classification Sherloc (09022015). Collection method: clinical testing. Allele origin: germline.
Comment: This variant is not present in population databases (ExAC no frequency). This sequence change replaces alanine with threonine at codon 105 of the DIS3L2 protein (p.Ala105Thr). The alanine residue is highly conserved and there is a small physicochemical difference between alanine and threonine. This variant has not been reported in the literature in individuals with DIS3L2-related conditions. In summary, the available evidence is currently insufficient to determine the role of this variant in disease. Therefore, it has been classified as a Variant of Uncertain Significance. Algorithms developed to predict the effect of missense changes on protein structure and function are either unavailable or do not agree on the potential impact of this missense change (SIFT: "Deleterious"; PolyPhen-2: "Probably Damaging"; Align-GVGD: "Class C0").